The following is an entry in ClinVar:

ClinVar aggregate classification (germline): Uncertain significance (1 of 4 stars; one submission).

Conditions:
Hereditary cancer-predisposing syndrome. Also called: Hereditary neoplastic syndrome; Tumor predisposition; Hereditary Cancer Syndrome; Neoplastic Syndromes, Hereditary. Identifiers: Orphanet 140162, MedGen C0027672, MeSH D009386, MONDO:0015356.

Submission:

Labcorp Genetics (formerly Invitae), Labcorp
Classification: Uncertain significance for Hereditary cancer-predisposing syndrome. Last evaluated: 2022-06-03. Review status: criteria provided, single submitter. Criteria: Invitae Variant Classification Sherloc (09022015). Collection method: clinical testing. Allele origin: germline.
Comment: In summary, the available evidence is currently insufficient to determine the role of this variant in disease. Therefore, it has been classified as a Variant of Uncertain Significance. Algorithms developed to predict the effect of missense changes on protein structure and function (SIFT, PolyPhen-2, Align-GVGD) all suggest that this variant is likely to be tolerated. This variant has not been reported in the literature in individuals affected with RAD50-related conditions. This variant is not present in population databases (gnomAD no frequency). This sequence change replaces tyrosine, which is neutral and polar, with serine, which is neutral and polar, at codon 972 of the RAD50 protein (p.Tyr972Ser).

NM_005732.4(RAD50):c.2915A>C (p.Tyr972Ser)

Gene: RAD50 (RAD50 double strand break repair protein; plus strand). Cytogenetic location: 5q31.1.
Variant type: single nucleotide variant.
Coding change: c.2915A>C on transcript NM_005732.4 (MANE Select); coding-DNA position 2915, A replaced by C.
Protein change: p.Tyr972Ser; replaces tyrosine 972 with serine.
Molecular consequence: missense variant.
Genome position (GRCh38, 1-based): chr5:132,609,202, A>C. VCF-style: chr5-132609202-A-C. GRCh37 (hg19) VCF-style: chr5-131944894-A-C.
Other names: short protein forms Y972S.
Identifiers: ClinVar variation 2129472 (VCV002129472.4), dbSNP rs1581004729, ClinGen allele CA360960037.